The following is an entry in ClinVar:

NM_001201543.2(FAM161A):c.1567C>G (p.Arg523Gly)

Gene: FAM161A (FAM161 centrosomal protein A; minus strand). Cytogenetic location: 2p15.
Variant type: single nucleotide variant.
Coding change: c.1567C>G on transcript NM_001201543.2 (MANE Select); coding-DNA position 1567, C replaced by G.
Protein change: p.Arg523Gly; replaces arginine 523 with glycine.
Molecular consequence: missense variant. On other transcripts: non-coding transcript variant (1).
Genome position (GRCh38, 1-based): chr2:61,839,437, G>C on the plus strand (C>G on the coding strand, the complement: FAM161A is on the minus strand). VCF-style: chr2-61839437-G-C. GRCh37 (hg19) VCF-style: chr2-62066572-G-C.
Other names: c.1567C>G (NM_001201543.1); c.1567C>G, p.Arg523Gly (NM_032180.3); short protein forms R523G.
Identifiers: ClinVar variation 2203076 (VCV002203076.7), dbSNP rs202193201, ClinGen allele CA1679123.

ClinVar aggregate classification (germline): Conflicting classifications of pathogenicity. Review status: criteria provided, conflicting classifications (1 of 4 stars). 5 submissions from 5 submitters: Likely pathogenic (3); Uncertain significance (2). Last evaluated 2026-06-19.

Conditions:
Retinitis pigmentosa 28 (RP28). Identifiers: Orphanet 791, MedGen C1419614, MONDO:0011630, OMIM 606068.
FAM161A-related disorder. Also called: FAM161A-related condition.

Allele frequency attached by ClinVar (database versions not stated): ESP Exome Variant Server 0.00016.
gnomAD v4.1: 251 of 1,614,004 alleles (0.016%); highest among the groups gnomAD compares: Non-Finnish European, 0.015%; no homozygotes.

Submissions (5):

Myriad Genetics, Inc.
Classification: Uncertain significance for Retinitis pigmentosa 28. Last evaluated: 2026-06-19. Review status: criteria provided, single submitter. Criteria: Myriad Autosomal Dominant, Autosomal Recessive and X-Linked Classification Criteria (2023). Collection method: clinical testing. Allele origin: unknown.
Comment: NM_001201543.1(FAM161A):c.1567C>G(R523G) is a missense variant classified as a variant of uncertain significance in the context of retinitis pigmentosa, FAM161A-related. R523G has been observed in cases with relevant disease (PMID: 22581970, 31054281, 36819107). Relevant functional assessments of this variant are not available in the literature. R523G has been observed in referenced population frequency databases. In summary, there is insufficient evidence to classify NM_001201543.1(FAM161A):c.1567C>G(R523G) as pathogenic or benign. Please note: this variant was assessed in the context of healthy population screening.

PreventionGenetics, part of Exact Sciences
Classification: Uncertain significance for FAM161A-related condition. Last evaluated: 2026-04-20. Review status: criteria provided, single submitter. Criteria: ACMG Guidelines, 2015. Collection method: clinical testing. Allele origin: germline.
Comment: The FAM161A c.1567C>G variant is predicted to result in the amino acid substitution p.Arg523Gly. This variant has been reported in individuals with retinitis pigmentosa (O'Sullivan et al. 2012. PubMed ID: 22581970; Table S2, Gao et al. 2019. PubMed ID: 31054281; Supplemental Table 4, Panneman et al. 2023. PubMed ID: 36819107). This variant is reported in 0.11% of alleles in individuals of European (Finnish) descent in gnomAD. Although we suspect that this variant may be pathogenic, at this time, the clinical significance of this variant is uncertain due to the absence of conclusive functional and genetic evidence.

Labcorp Genetics (formerly Invitae), Labcorp
Classification: Likely pathogenic. Last evaluated: 2025-08-31. Review status: criteria provided, single submitter. Criteria: Invitae Variant Classification Sherloc (09022015). Collection method: clinical testing. Allele origin: germline.
Comment: This sequence change replaces arginine, which is basic and polar, with glycine, which is neutral and non-polar, at codon 523 of the FAM161A protein (p.Arg523Gly). This variant is present in population databases (rs202193201, gnomAD 0.1%). This missense change has been observed in individual(s) with autosomal recessive retinitis pigmentosa (PMID: 22581970, 36819107; internal data). In at least one individual the data is consistent with being in trans (on the opposite chromosome) from a pathogenic variant. ClinVar contains an entry for this variant (Variation ID: 2203076). Invitae Evidence Modeling of protein sequence and biophysical properties (such as structural, functional, and spatial information, amino acid conservation, physicochemical variation, residue mobility, and thermodynamic stability) indicates that this missense variant is expected to disrupt FAM161A protein function with a positive predictive value of 80%. In summary, the currently available evidence indicates that the variant is pathogenic, but additional data are needed to prove that conclusively. Therefore, this variant has been classified as Likely Pathogenic.

Natera, Inc.
Classification: Likely pathogenic for Retinitis pigmentosa type 28. Last evaluated: 2025-07-10. Review status: criteria provided, single submitter. Criteria: Natera Variant Classification Schema (03/2026). Collection method: clinical testing. Allele origin: germline.
Comment: The c.1567C>G variant in FAM161A is a missense variant predicted to cause substitution of arginine to glycine at amino acid 523. This variant is rare in the general population with a frequency below the threshold expected for the associated phenotype(s). This variant has been observed in one or more individuals affected with the associated recessive disease, as either homozygous or compound heterozygous with a second variant (PMID: 36819107, 22581970). Computational prediction algorithms indicate this variant is likely to affect gene or protein function. Given the available evidence, this variant is classified as Likely Pathogenic.

Blueprint Genetics
Classification: Likely pathogenic for FAM161A-related disorders. Last evaluated: 2024-10-14. Review status: criteria provided, single submitter. Criteria: ACMG Guidelines, 2015. Collection method: clinical testing. Allele origin: germline. Affected: yes. Observed: 5 variant alleles.

Literature cited by the submitters: PubMed 22581970 (cited by 3 submitters); PubMed 31054281 (cited by Myriad Genetics, Inc.); PubMed 36819107 (cited by 3 submitters).